The following is an entry in ClinVar:

NM_005529.7(HSPG2):c.3147del (p.Gly1050fs)

Gene: HSPG2 (heparan sulfate proteoglycan 2; minus strand). Cytogenetic location: 1p36.12.
Variant type: Deletion.
Coding change: c.3147del on transcript NM_005529.7 (MANE Select); coding-DNA position 3147, one base deleted (C; older notation c.3147delC).
Protein change: p.Gly1050fs; shifts the reading frame from glycine 1050.
Molecular consequence: frameshift variant.
Genome position (GRCh38, 1-based): chr1:21,875,899, G deleted on the plus strand (C on the coding strand, the reverse complement: HSPG2 is on the minus strand); the first of 4 consecutive G bases (chr1:21,875,899-21,875,902); deleting any one gives the same sequence. VCF-style (leftmost placement, unchanged base first): chr1-21875898-CG-C. GRCh37 (hg19) VCF-style: chr1-22202391-CG-C.
Other names: c.3150del, p.Gly1051fs (NM_001291860.2); short protein forms G1050fs, G1051fs.
Identifiers: ClinVar variation 5019733 (VCV005019733.2).

ClinVar aggregate classification (germline): Likely pathogenic (1 of 4 stars; one submission).

Conditions:
Lethal Kniest-like syndrome (DDSH). Also called: Dyssegmental Dysplasia. Identifiers: Orphanet 1865, MedGen C1857100, MONDO:0009140, OMIM 224410.
Schwartz-Jampel syndrome type 1 (SJS1). Also called: MYOTONIC MYOPATHY, DWARFISM, CHONDRODYSTROPHY, AND OCULAR AND FACIAL ABNORMALITIES; CHONDRODYSTROPHIC MYOTONIA. Identifiers: MedGen C4551479, MONDO:0100435, OMIM 255800.

Submission:

Juno Genomics, Hangzhou Juno Genomics, Inc
Classification: Likely pathogenic for Schwartz-Jampel syndrome type 1; Lethal Kniest-like syndrome. Review status: criteria provided, single submitter. Criteria: ACMG Guidelines, 2015. Collection method: clinical testing. Allele origin: germline.
Comment: Absent from controls (or at extremely low frequency if recessive) in Genome Aggregation Database.;Null variant in a gene where loss of function (LOF) is a known mechanism of disease.